The following is an entry in ClinVar:

ClinVar aggregate classification (germline): Uncertain significance (1 of 4 stars; one submission).

Submission:

Labcorp Genetics (formerly Invitae), Labcorp
Classification: Uncertain significance. Last evaluated: 2021-12-25. Review status: criteria provided, single submitter. Criteria: Invitae Variant Classification Sherloc (09022015). Collection method: clinical testing. Allele origin: germline.
Comment: In summary, the available evidence is currently insufficient to determine the role of this variant in disease. Therefore, it has been classified as a Variant of Uncertain Significance. Algorithms developed to predict the effect of missense changes on protein structure and function are either unavailable or do not agree on the potential impact of this missense change (SIFT: "Deleterious"; PolyPhen-2: "Probably Damaging"; Align-GVGD: "Class C0"). This variant has not been reported in the literature in individuals affected with IFT43-related conditions. This variant is not present in population databases (gnomAD no frequency). This sequence change replaces aspartic acid, which is acidic and polar, with histidine, which is basic and polar, at codon 180 of the IFT43 protein (p.Asp180His).

NM_001102564.3(IFT43):c.523G>C (p.Asp175His)

Gene: IFT43 (intraflagellar transport 43; plus strand). Cytogenetic location: 14q24.3.
Variant type: single nucleotide variant.
Coding change: c.523G>C on transcript NM_001102564.3 (MANE Select); coding-DNA position 523, G replaced by C.
Protein change: p.Asp175His; replaces aspartic acid 175 with histidine.
Molecular consequence: missense variant. On other transcripts: non-coding transcript variant (2).
Genome position (GRCh38, 1-based): chr14:76,083,473, G>C. VCF-style: chr14-76083473-G-C. GRCh37 (hg19) VCF-style: chr14-76549816-G-C.
Other names: c.538G>C, p.Asp180His (NM_052873.3); short protein forms D175H, D180H.
Identifiers: ClinVar variation 2061215 (VCV002061215.4), dbSNP rs781573051, ClinGen allele CA263709089.
Genomic context (GRCh38, chr14:76,083,473, plus strand): 5'-GAAAAGGCCTTTCTTTGTCTTACCCAGCGAAACCCTTCTTGGCAGGATGATGTCGGCTGG[G>C]ACTGGGACCATCTGTTCACTGAGGTGTCCTCAGAGGTCCTCACTGAGTGGGACCCACTGC-3'
Protein context (NP_001096034.1, residues 165-185): HEVREDDVGW[Asp175His]WDHLFTEVSS